The following is an entry in ClinVar:

ClinVar aggregate classification (germline): Uncertain significance (1 of 4 stars; one submission).

Submission:

GeneDx
Classification: Uncertain significance. Last evaluated: 2024-02-20. Review status: criteria provided, single submitter. Criteria: GeneDx Variant Classification Process June 2021. Collection method: clinical testing. Allele origin: germline. Affected: yes.
Comment: Not observed at significant frequency in large population cohorts (gnomAD); In silico analysis supports that this missense variant does not alter protein structure/function; Has not been previously published as pathogenic or benign to our knowledge

NM_015557.3(CHD5):c.2404A>C (p.Ile802Leu)

Gene: CHD5 (chromodomain helicase DNA binding protein 5; minus strand). Cytogenetic location: 1p36.31.
Variant type: single nucleotide variant.
Coding change: c.2404A>C on transcript NM_015557.3 (MANE Select); coding-DNA position 2404, A replaced by C.
Protein change: p.Ile802Leu; replaces isoleucine 802 with leucine.
Molecular consequence: missense variant.
Genome position (GRCh38, 1-based): chr1:6,142,160, T>G on the plus strand (A>C on the coding strand, the complement: CHD5 is on the minus strand). VCF-style: chr1-6142160-T-G. GRCh37 (hg19) VCF-style: chr1-6202220-T-G.
Other names: short protein forms I802L.
Identifiers: ClinVar variation 3369480 (VCV003369480.1).